The following is an entry in ClinVar:

NM_024642.5(GALNT12):c.60G>T (p.Ala20=)

Genes: GALNT12 (polypeptide N-acetylgalactosaminyltransferase 12; plus strand), LOC130002222 (ATAC-STARR-seq lymphoblastoid silent region 20123; plus strand). Cytogenetic location: 9q22.33.
Variant type: single nucleotide variant.
Coding change: c.60G>T on transcript NM_024642.5 (MANE Select); coding-DNA position 60, G replaced by T.
Protein change: p.Ala20=; no amino-acid change (alanine 20 retained).
Molecular consequence: synonymous variant.
Genome position (GRCh38, 1-based): chr9:98,807,758, G>T. VCF-style: chr9-98807758-G-T. GRCh37 (hg19) VCF-style: chr9-101570040-G-T.
Identifiers: ClinVar variation 1751620 (VCV001751620.11), dbSNP rs1414017068, ClinGen allele CA466423691.

ClinVar aggregate classification (germline): Benign/Likely benign. Review status: criteria provided, multiple submitters, no conflicts (2 of 4 stars). 3 submissions from 3 submitters: Benign (1); Likely benign (2). Last evaluated 2026-04-22.

Conditions:
Colorectal cancer, susceptibility to, 1. Also called: COLORECTAL ADENOMA AND CANCER, SUSCEPTIBILITY TO; COLORECTAL CANCER, SUSCEPTIBILITY TO, ON CHROMOSOME 9. Identifiers: MedGen C1837315, MONDO:0012132, OMIM 608812.

gnomAD v4.1: 5 of 1,180,354 alleles (0.00042%); highest among the groups gnomAD compares: African/African-American, 0.0082%; no homozygotes.

Submissions (3):

Myriad Genetics, Inc.
Classification: Benign for Colorectal cancer, susceptibility to, 1. Last evaluated: 2026-04-22. Review status: criteria provided, single submitter. Criteria: Myriad Autosomal Dominant, Autosomal Recessive and X-Linked Classification Criteria (2023). Collection method: clinical testing. Allele origin: unknown.
Comment: This variant is considered benign. This variant is a silent/synonymous amino acid change and it is not expected to impact splicing.

Labcorp Genetics (formerly Invitae), Labcorp
Classification: Likely benign. Last evaluated: 2022-06-21. Review status: criteria provided, single submitter. Criteria: Invitae Variant Classification Sherloc (09022015). Collection method: clinical testing. Allele origin: germline.

Ambry Genetics
Classification: Likely benign. Last evaluated: 2021-08-27. Review status: criteria provided, single submitter. Criteria: Ambry Variant Classification Scheme 2023. Collection method: clinical testing. Allele origin: germline.